The following is an entry in ClinVar:

ClinVar aggregate classification (germline): Uncertain significance (1 of 4 stars; one submission).

Submission:

Labcorp Genetics (formerly Invitae), Labcorp
Classification: Uncertain significance. Last evaluated: 2023-10-10. Review status: criteria provided, single submitter. Criteria: Invitae Variant Classification Sherloc (09022015). Collection method: clinical testing. Allele origin: germline.
Comment: This sequence change replaces lysine, which is basic and polar, with glutamic acid, which is acidic and polar, at codon 828 of the AP3D1 protein (p.Lys828Glu). This variant is not present in population databases (gnomAD no frequency). This variant has not been reported in the literature in individuals affected with AP3D1-related conditions. An algorithm developed to predict the effect of missense changes on protein structure and function (PolyPhen-2) suggests that this variant is likely to be tolerated. In summary, the available evidence is currently insufficient to determine the role of this variant in disease. Therefore, it has been classified as a Variant of Uncertain Significance.

NM_001261826.3(AP3D1):c.2482A>G (p.Lys828Glu)

Gene: AP3D1 (adaptor related protein complex 3 subunit delta 1; minus strand). Cytogenetic location: 19p13.3.
Variant type: single nucleotide variant.
Coding change: c.2482A>G on transcript NM_001261826.3 (MANE Select); coding-DNA position 2482, A replaced by G.
Protein change: p.Lys828Glu; replaces lysine 828 with glutamic acid.
Molecular consequence: missense variant.
Genome position (GRCh38, 1-based): chr19:2,114,244, T>C on the plus strand (A>G on the coding strand, the complement: AP3D1 is on the minus strand). VCF-style: chr19-2114244-T-C. GRCh37 (hg19) VCF-style: chr19-2114243-T-C.
Other names: c.2482A>G, p.Lys828Glu (NM_001374799.1, NM_003938.8); short protein forms K828E.
Identifiers: ClinVar variation 2764644 (VCV002764644.3), dbSNP rs2512148036, ClinGen allele CA403208930.